The following is an entry in ClinVar:

NM_003071.4(HLTF):c.1944C>T (p.Ser648=)

Gene: HLTF (helicase like transcription factor; minus strand). Cytogenetic location: 3q24.
Variant type: single nucleotide variant.
Coding change: c.1944C>T on transcript NM_003071.4 (MANE Select); coding-DNA position 1944, C replaced by T.
Protein change: p.Ser648=; no amino-acid change (serine 648 retained).
Molecular consequence: synonymous variant.
Genome position (GRCh38, 1-based): chr3:149,046,208, G>A on the plus strand (C>T on the coding strand, the complement: HLTF is on the minus strand). VCF-style: chr3-149046208-G-A. GRCh37 (hg19) VCF-style: chr3-148763995-G-A.
Other names: c.1941C>T, p.Ser647= (NM_001318934.2); c.1944C>T, p.Ser648= (NM_001318935.2, NM_139048.3).
Identifiers: ClinVar variation 2654213 (VCV002654213.24), dbSNP rs112020463, ClinGen allele CA2659049.

ClinVar aggregate classification (germline): Likely benign (1 of 4 stars; one submission).

Allele frequency attached by ClinVar (database versions not stated): ExAC 0.00001; gnomAD exomes 0.00002; TOPMed 0.00002; gnomAD 0.00003.
gnomAD v4.1: 53 of 1,603,812 alleles (0.0033%); highest among the groups gnomAD compares: African/African-American, 0.044%; 1 homozygote.

Submission:

CeGaT Center for Human Genetics Tuebingen
Classification: Likely benign. Last evaluated: 2022-06-01. Review status: criteria provided, single submitter. Criteria: CeGaT Center For Human Genetics Tuebingen Variant Classification Criteria Version 2. Collection method: clinical testing. Allele origin: germline. Affected: yes. Observed: 1 variant allele.
Comment: HLTF: BP4